The following is an entry in ClinVar:

NM_006767.4(LZTR1):c.1283C>A (p.Thr428Lys)

Gene: LZTR1 (leucine zipper like post translational regulator 1; plus strand). Cytogenetic location: 22q11.21.
Variant type: single nucleotide variant.
Coding change: c.1283C>A on transcript NM_006767.4 (MANE Select); coding-DNA position 1283, C replaced by A.
Protein change: p.Thr428Lys; replaces threonine 428 with lysine.
Molecular consequence: missense variant.
Genome position (GRCh38, 1-based): chr22:20,993,684, C>A. VCF-style: chr22-20993684-C-A. GRCh37 (hg19) VCF-style: chr22-21347973-C-A.
Other names: short protein forms T428K.
Identifiers: ClinVar variation 3238050 (VCV003238050.2), dbSNP rs1253225013.

ClinVar aggregate classification (germline): Uncertain significance. Review status: criteria provided, multiple submitters, no conflicts (2 of 4 stars). 2 submissions from 2 submitters: Uncertain significance (2). Last evaluated 2025-10-29.

Conditions:
Hereditary cancer-predisposing syndrome. Also called: Neoplastic Syndromes, Hereditary; Tumor predisposition; Hereditary neoplastic syndrome; Hereditary Cancer Syndrome. Identifiers: Orphanet 140162, MedGen C0027672, MeSH D009386, MONDO:0015356.
Cardiovascular phenotype. Identifiers: MedGen CN230736.

Submissions (2):

Labcorp Genetics (formerly Invitae), Labcorp
Classification: Uncertain significance. Last evaluated: 2025-10-29. Review status: criteria provided, single submitter. Criteria: Invitae Variant Classification Sherloc (09022015). Collection method: clinical testing. Allele origin: germline.
Comment: This sequence change replaces threonine, which is neutral and polar, with lysine, which is basic and polar, at codon 428 of the LZTR1 protein (p.Thr428Lys). This variant is not present in population databases (gnomAD no frequency). This variant has not been reported in the literature in individuals affected with LZTR1-related conditions. ClinVar contains an entry for this variant (Variation ID: 3238050). Invitae Evidence Modeling of protein sequence and biophysical properties (such as structural, functional, and spatial information, amino acid conservation, physicochemical variation, residue mobility, and thermodynamic stability) indicates that this missense variant is not expected to disrupt LZTR1 protein function with a negative predictive value of 80%. In summary, the available evidence is currently insufficient to determine the role of this variant in disease. Therefore, it has been classified as a Variant of Uncertain Significance.

Ambry Genetics
Classification: Uncertain significance for Cardiovascular phenotype; Hereditary cancer-predisposing syndrome. Last evaluated: 2023-10-13. Review status: criteria provided, single submitter. Criteria: Ambry Variant Classification Scheme 2023. Collection method: clinical testing. Allele origin: germline.
Comment: The p.T428K variant (also known as c.1283C>A), located in coding exon 12 of the LZTR1 gene, results from a C to A substitution at nucleotide position 1283. The threonine at codon 428 is replaced by lysine, an amino acid with similar properties. This amino acid position is conserved. In addition, this alteration is predicted to be deleterious by in silico analysis. Since supporting evidence is limited at this time, the clinical significance of this alteration remains unclear.